The following is an entry in ClinVar:

ClinVar aggregate classification (germline): Uncertain significance (1 of 4 stars; one submission).

Conditions:
Lethal congenital glycogen storage disease of heart. Also called: PHOSPHORYLASE KINASE DEFICIENCY OF HEART; GLYCOGEN STORAGE DISEASE OF HEART. Identifiers: Orphanet 439854, MedGen C1849813, MONDO:0009867, OMIM 261740.

Submission:

Labcorp Genetics (formerly Invitae), Labcorp
Classification: Uncertain significance for Lethal congenital glycogen storage disease of heart. Last evaluated: 2025-04-09. Review status: criteria provided, single submitter. Criteria: Invitae Variant Classification Sherloc (09022015). Collection method: clinical testing. Allele origin: germline.
Comment: This sequence change replaces glycine, which is neutral and non-polar, with arginine, which is basic and polar, at codon 316 of the PRKAG2 protein (p.Gly316Arg). This variant also falls at the last nucleotide of exon 7, which is part of the consensus splice site for this exon. This variant is not present in population databases (gnomAD no frequency). This variant has not been reported in the literature in individuals affected with PRKAG2-related conditions. Invitae Evidence Modeling of protein sequence and biophysical properties (such as structural, functional, and spatial information, amino acid conservation, physicochemical variation, residue mobility, and thermodynamic stability) indicates that this missense variant is expected to disrupt PRKAG2 protein function with a positive predictive value of 95%. Variants that disrupt the consensus splice site are a relatively common cause of aberrant splicing (PMID: 17576681, 9536098). Algorithms developed to predict the effect of sequence changes on RNA splicing suggest that this variant may disrupt the consensus splice site. In summary, the available evidence is currently insufficient to determine the role of this variant in disease. Therefore, it has been classified as a Variant of Uncertain Significance.

Literature cited by the submitters: PubMed 17576681; PubMed 9536098.

NM_016203.4(PRKAG2):c.946G>A (p.Gly316Arg)

Gene: PRKAG2 (protein kinase AMP-activated non-catalytic subunit gamma 2; minus strand). Cytogenetic location: 7q36.1.
Variant type: single nucleotide variant.
Coding change: c.946G>A on transcript NM_016203.4 (MANE Select); coding-DNA position 946, G replaced by A.
Protein change: p.Gly316Arg; replaces glycine 316 with arginine.
Molecular consequence: missense variant.
Genome position (GRCh38, 1-based): chr7:151,576,371, C>T on the plus strand (G>A on the coding strand, the complement: PRKAG2 is on the minus strand). VCF-style: chr7-151576371-C-T. GRCh37 (hg19) VCF-style: chr7-151273457-C-T.
Other names: c.814G>A, p.Gly272Arg (NM_001040633.2, NM_001407024.1); c.571G>A, p.Gly191Arg (NM_001304527.2, NM_001407029.1); c.223G>A, p.Gly75Arg (NM_001304531.2, NM_001407034.1, NM_001407035.1 and 1 more transcripts); c.574G>A, p.Gly192Arg (NM_001363698.2, NM_001407028.1); c.946G>A, p.Gly316Arg (NM_001407021.1); c.943G>A, p.Gly315Arg (NM_001407022.1, NM_001407023.1); c.811G>A, p.Gly271Arg (NM_001407026.1, NM_001407027.1); c.658G>A, p.Gly220Arg (NM_001407030.1); and 6 more; short protein forms G191R, G208R, G219R, G272R, G316R, G75R, G315R, G91R.
Identifiers: ClinVar variation 4747447 (VCV004747447.1).